The following is an entry in ClinVar:

NM_000038.6(APC):c.6786T>G (p.Ser2262Arg)

Gene: APC (APC regulator of Wnt signaling pathway; plus strand). Cytogenetic location: 5q22.2.
Variant type: single nucleotide variant.
Coding change: c.6786T>G on transcript NM_000038.6 (MANE Select); coding-DNA position 6786, T replaced by G.
Protein change: p.Ser2262Arg; replaces serine 2262 with arginine.
Molecular consequence: missense variant.
Genome position (GRCh38, 1-based): chr5:112,842,380, T>G. VCF-style: chr5-112842380-T-G. GRCh37 (hg19) VCF-style: chr5-112178077-T-G.
Other names: c.6786T>G, p.Ser2262Arg (NM_001127510.3, NM_001354895.2, NM_001407450.1); c.6732T>G, p.Ser2244Arg (NM_001127511.3); c.6840T>G, p.Ser2280Arg (NM_001354896.2, NM_001407447.1, NM_001407448.1 and 1 more transcripts); c.6816T>G, p.Ser2272Arg (NM_001354897.2); c.6711T>G, p.Ser2237Arg (NM_001354898.2); c.6702T>G, p.Ser2234Arg (NM_001354899.2); c.6663T>G, p.Ser2221Arg (NM_001354900.2); c.6609T>G, p.Ser2203Arg (NM_001354901.2, NM_001407453.1); and 11 more; short protein forms S2136R, S2203R, S2280R, S1979R, S2179R, S2237R, S2290R, S2133R.
Identifiers: ClinVar variation 1755412 (VCV001755412.2), dbSNP rs750157623, ClinGen allele CA16036152.

ClinVar aggregate classification (germline): Uncertain significance (1 of 4 stars; one submission).

Conditions:
Hereditary cancer-predisposing syndrome. Also called: Neoplastic Syndromes, Hereditary; Tumor predisposition; Hereditary Cancer Syndrome; Hereditary neoplastic syndrome. Identifiers: Orphanet 140162, MedGen C0027672, MeSH D009386, MONDO:0015356.

Submission:

Ambry Genetics
Classification: Uncertain significance for Hereditary cancer-predisposing syndrome. Last evaluated: 2022-02-18. Review status: criteria provided, single submitter. Criteria: Ambry Variant Classification Scheme 2023. Collection method: clinical testing. Allele origin: germline.
Comment: The p.S2262R variant (also known as c.6786T>G), located in coding exon 15 of the APC gene, results from a T to G substitution at nucleotide position 6786. The serine at codon 2262 is replaced by arginine, an amino acid with dissimilar properties. This amino acid position is conserved. In addition, in silico predictors for this gene do not accurately predict pathogenicity. Since supporting evidence is limited at this time, the clinical significance of this alteration remains unclear.